The following is an entry in ClinVar:

NM_000289.6(PFKM):c.800T>C (p.Ile267Thr)

Gene: PFKM (phosphofructokinase, muscle; plus strand). Cytogenetic location: 12q13.11.
Variant type: single nucleotide variant.
Coding change: c.800T>C on transcript NM_000289.6 (MANE Select); coding-DNA position 800, T replaced by C.
Protein change: p.Ile267Thr; replaces isoleucine 267 with threonine.
Molecular consequence: missense variant. On other transcripts: non-coding transcript variant (6).
Genome position (GRCh38, 1-based): chr12:48,134,995, T>C. VCF-style: chr12-48134995-T-C. GRCh37 (hg19) VCF-style: chr12-48528778-T-C.
Other names: c.800T>C (NM_000289.5); c.1013T>C, p.Ile338Thr (NM_001166686.2, NM_001354737.1, NM_001354738.1 and 1 more transcripts); c.800T>C, p.Ile267Thr (NM_001166687.2, NM_001166688.2, NM_001354742.2 and 4 more transcripts); c.1109T>C, p.Ile370Thr (NM_001354735.1, NM_001354736.1); c.944T>C, p.Ile315Thr (NM_001354740.1); c.824T>C, p.Ile275Thr (NM_001354741.2); c.713T>C, p.Ile238Thr (NM_001354745.2); c.650T>C, p.Ile217Thr (NM_001354747.2, NM_001354748.2); short protein forms I370T, I217T, I267T, I275T, I338T, I238T, I315T.
Identifiers: ClinVar variation 1420746 (VCV001420746.6), dbSNP rs748720104, ClinGen allele CA6537106.

ClinVar aggregate classification (germline): Uncertain significance. Review status: criteria provided, multiple submitters, no conflicts (2 of 4 stars). 2 submissions from 2 submitters: Uncertain significance (2). Last evaluated 2025-08-28.

Conditions:
Glycogen storage disease, type VII (GSD7). Also called: GSD VII; MUSCLE PHOSPHOFRUCTOKINASE DEFICIENCY; PFKM DEFICIENCY; TARUI DISEASE. Identifiers: Orphanet 371, MedGen C0017926, MONDO:0009295, OMIM 232800.
Inborn genetic diseases. Identifiers: MedGen C0950123, MeSH D030342.

Allele frequency attached by ClinVar (database versions not stated): ExAC 0.00001; gnomAD 0.00001; gnomAD exomes 0.00001 and 0.00002; TOPMed 0.00001.
gnomAD v4.1: 18 of 1,613,938 alleles (0.0011%); highest among the groups gnomAD compares: Non-Finnish European, 0.0015%; no homozygotes.

Submissions (2):

Ambry Genetics
Classification: Uncertain significance for Inborn genetic diseases. Last evaluated: 2025-08-28. Review status: criteria provided, single submitter. Criteria: Ambry Variant Classification Scheme 2023. Collection method: clinical testing. Allele origin: germline.

Labcorp Genetics (formerly Invitae), Labcorp
Classification: Uncertain significance for Glycogen storage disease, type VII. Last evaluated: 2022-02-09. Review status: criteria provided, single submitter. Criteria: Invitae Variant Classification Sherloc (09022015). Collection method: clinical testing. Allele origin: germline.
Comment: This sequence change replaces isoleucine, which is neutral and non-polar, with threonine, which is neutral and polar, at codon 267 of the PFKM protein (p.Ile267Thr). This variant is present in population databases (rs748720104, gnomAD 0.004%). This variant has not been reported in the literature in individuals affected with PFKM-related conditions. Algorithms developed to predict the effect of missense changes on protein structure and function are either unavailable or do not agree on the potential impact of this missense change (SIFT: "Tolerated"; PolyPhen-2: "Possibly Damaging"; Align-GVGD: "Class C0"). In summary, the available evidence is currently insufficient to determine the role of this variant in disease. Therefore, it has been classified as a Variant of Uncertain Significance.